The following is an entry in ClinVar:

ClinVar aggregate classification (germline): Uncertain significance. Review status: criteria provided, multiple submitters, no conflicts (2 of 4 stars). 2 submissions from 2 submitters: Uncertain significance (2). Last evaluated 2025-01-09.

Conditions:
Inborn genetic diseases. Identifiers: MedGen C0950123, MeSH D030342.
Wilms tumor 1 (WT1). Also called: Wilms tumor, somatic. Identifiers: Orphanet 654, MedGen CN033288, MONDO:0008679, OMIM 194070.

Submissions (2):

Ambry Genetics
Classification: Uncertain significance for Inborn genetic diseases. Last evaluated: 2025-01-09. Review status: criteria provided, single submitter. Criteria: Ambry Variant Classification Scheme 2023. Collection method: clinical testing. Allele origin: germline.
Comment: The p.T337S variant (also known as c.1009A>T), located in coding exon 6 of the WT1 gene, results from an A to T substitution at nucleotide position 1009. The threonine at codon 337 is replaced by serine, an amino acid with similar properties. This amino acid position is conserved. In addition, this alteration is predicted to be tolerated by in silico analysis. Based on the available evidence, the clinical significance of this variant remains unclear.

All of Us Research Program, National Institutes of Health
Classification: Uncertain significance for Wilms tumor 1. Last evaluated: 2024-08-23. Review status: criteria provided, single submitter. Criteria: ACMG Guidelines, 2015. Collection method: clinical testing. Allele origin: germline. Inheritance: Autosomal dominant inheritance. Observed: 1 variant allele, 1 heterozygote.
Comment: This missense variant replaces threonine with serine at codon 337 of the WT1 protein. Computational prediction suggests that this variant may not impact protein structure and function (internally defined REVEL score threshold <= 0.5, PMID: 27666373). To our knowledge, functional studies have not been reported for this variant. This variant has not been reported in individuals affected with WT1-related disorders in the literature. This variant has not been identified in the general population by the Genome Aggregation Database (gnomAD). The available evidence is insufficient to determine the role of this variant in disease conclusively. Therefore, this variant is classified as a Variant of Uncertain Significance.

This study involves interpretation of variants in research participants for the purpose of population health screening. Participant phenotype was not available at the time of variant classification. Additional details can be found in publication PMID: 35346344, PMCID: PMC8962531

NM_024426.6(WT1):c.1024A>T (p.Thr342Ser)

Gene: WT1 (WT1 transcription factor; minus strand). Cytogenetic location: 11p13.
Variant type: single nucleotide variant.
Coding change: c.1024A>T on transcript NM_024426.6 (MANE Select); coding-DNA position 1024, A replaced by T.
Protein change: p.Thr342Ser; replaces threonine 342 with serine.
Molecular consequence: missense variant. On other transcripts: 5 prime UTR variant (1), non-coding transcript variant (2).
Genome position (GRCh38, 1-based): chr11:32,400,037, T>A on the plus strand (A>T on the coding strand, the complement: WT1 is on the minus strand). VCF-style: chr11-32400037-T-A. GRCh37 (hg19) VCF-style: chr11-32421583-T-A.
Other names: c.973A>T, p.Thr325Ser (NM_000378.6, NM_001407045.1, NM_001407048.1 and 1 more transcripts); c.373A>T, p.Thr125Ser (NM_001198551.2); c.322A>T, p.Thr108Ser (NM_001198552.2); c.-165A>T (NM_001367854.1); c.1018A>T, p.Thr340Ser (NM_001407044.1); c.1024A>T, p.Thr342Ser (NM_001407046.1, NM_024424.5); c.901A>T, p.Thr301Ser (NM_001407047.1); c.850A>T, p.Thr284Ser (NM_001407050.1); and 4 more; short protein forms T108S, T125S, T252S, T269S, T284S, T301S, T325S, T337S.
Identifiers: ClinVar variation 3386199 (VCV003386199.2).